The following is an entry in ClinVar:

NM_005120.3(MED12):c.956T>C (p.Val319Ala)

Gene: MED12 (mediator complex subunit 12; plus strand). Cytogenetic location: Xq13.1.
Variant type: single nucleotide variant.
Coding change: c.956T>C on transcript NM_005120.3 (MANE Select); coding-DNA position 956, T replaced by C.
Protein change: p.Val319Ala; replaces valine 319 with alanine.
Molecular consequence: missense variant.
Genome position (GRCh38, 1-based): chrX:71,121,671, T>C. VCF-style: chrX-71121671-T-C. GRCh37 (hg19) VCF-style: chrX-70341521-T-C.
Other names: short protein forms V319A.
Identifiers: ClinVar variation 1313393 (VCV001313393.3), dbSNP rs2147779816, ClinGen allele CA413504773.

ClinVar aggregate classification (germline): Uncertain significance (1 of 4 stars; one submission).

Submission:

GeneDx
Classification: Uncertain significance. Last evaluated: 2022-06-14. Review status: criteria provided, single submitter. Criteria: GeneDx Variant Classification Process June 2021. Collection method: clinical testing. Allele origin: germline. Affected: yes.
Comment: Not observed at significant frequency in large population cohorts (gnomAD); In silico analysis supports that this missense variant does not alter protein structure/function; Has not been previously published as pathogenic or benign to our knowledge